The following is an entry in ClinVar:

ClinVar aggregate classification (germline): Pathogenic. Review status: reviewed by expert panel (3 of 4 stars). 2 submissions from 2 submitters: Pathogenic (1). 1 of the submissions does not count toward it. Last evaluated 2020-09-06.

Conditions:
Glanzmann thrombasthenia. Also called: BLEEDING DISORDER, PLATELET-TYPE, 2; THROMBASTHENIA OF GLANZMANN AND NAEGELI; PLATELET GLYCOPROTEIN IIb-IIIa DEFICIENCY; Glanzmann's thrombasthenia; Thrombasthenia. Identifiers: Orphanet 849, MedGen C0040015, MONDO:0100326.

Submissions (2):

ClinGen Platelet Disorders Variant Curation Expert Panel, ClinGen
Classification: Pathogenic for Glanzmann thrombasthenia. Last evaluated: 2020-09-06. Review status: reviewed by expert panel. Criteria: ClinGen Platelet ACMG Specifications v2-1. Collection method: curation. Allele origin: germline. Inheritance: Autosomal recessive inheritance.
Comment: The c.2930del variant has been reported in one compound heterozygous individual with phenotypes highly consistent with GT (PMID: 12083483). This frameshift variant occurs in exon 28 results in 63 altered amino acids followed by as stop loss and the elongation of the protein by 90 amino acids. The variant is absent from population databases including gnomAD, ExAC, and 1000 Genomes. In summary, this variant meets criteria to be classified as Likely Pathogenic for GT. GT-specific criteria applied: PVS1_Strong, PM2_Supporting, PM3, and PP4_Moderate.

Labcorp Genetics (formerly Invitae), Labcorp
Classification: Likely pathogenic for Glanzmann thrombasthenia. Last evaluated: 2023-11-04. Review status: criteria provided, single submitter. Criteria: Invitae Variant Classification Sherloc (09022015). Collection method: clinical testing. Allele origin: germline. Not counted in ClinVar's aggregate classification.
Comment: This sequence change results in a frameshift in the ITGA2B gene (p.Arg977Glnfs*). While this is not anticipated to result in nonsense mediated decay, it is expected to disrupt the last 63 amino acid(s) of the ITGA2B protein and extend the protein. This variant is not present in population databases (gnomAD no frequency). This frameshift has been observed in individual(s) with Glanzmann thrombasthenia (PMID: 12083483, 20819594). In at least one individual the data is consistent with being in trans (on the opposite chromosome) from a pathogenic variant. ClinVar contains an entry for this variant (Variation ID: 953016). In summary, the currently available evidence indicates that the variant is pathogenic, but additional data are needed to prove that conclusively. Therefore, this variant has been classified as Likely Pathogenic.

Literature cited by the submitters: PubMed 12083483 (cited by Labcorp Genetics (formerly Invitae), Labcorp); PubMed 20819594 (cited by Labcorp Genetics (formerly Invitae), Labcorp).

NM_000419.5(ITGA2B):c.2930del (p.Arg977fs)

Gene: ITGA2B (integrin subunit alpha 2b; minus strand). Cytogenetic location: 17q21.31.
Variant type: Deletion.
Coding change: c.2930del on transcript NM_000419.5 (MANE Select); coding-DNA position 2930, one base deleted (G; older notation c.2930delG).
Protein change: p.Arg977fs; shifts the reading frame from arginine 977.
Molecular consequence: frameshift variant.
Genome position (GRCh38, 1-based): chr17:44,374,672, C deleted on the plus strand (G on the coding strand, the reverse complement: ITGA2B is on the minus strand). VCF-style (leftmost placement, unchanged base first): chr17-44374671-TC-T. GRCh37 (hg19) VCF-style: chr17-42452039-TC-T.
Other names: short protein forms R977fs.
Identifiers: ClinVar variation 953016 (VCV000953016.6), dbSNP rs2048523431, ClinGen allele CA915940386.
Genomic context (GRCh38, chr17:44,374,671, plus strand): 5'-ACAATGGGTCCTGCAGGACTGGTCTCTGCTCCATCCCCCCACACTCACCTGAGCTTCCCC[TC>T]GGGGCAGGCTGAGCGGGGGCACCGCATAGGGGAGGGAGGACACGTTGAACCATGCGTGCG-3'